The following is an entry in ClinVar:

ClinVar aggregate classification (germline): Uncertain significance. Review status: criteria provided, multiple submitters, no conflicts (2 of 4 stars). 2 submissions from 2 submitters: Uncertain significance (2). Last evaluated 2022-05-30.

Conditions:
Inborn genetic diseases. Identifiers: MedGen C0950123, MeSH D030342.
Woodhouse-Sakati syndrome. Also called: Hypogonadism, Alopecia, Diabetes Mellitus, Mental Retardation, and Extrapyramidal Syndrome; Hypogonadism, diabetes mellitus, alopecia, mental retardation and electrocardiographic abnormalities; EXTRAPYRAMIDAL DISORDER, PROGRESSIVE, WITH PRIMARY HYPOGONADISM, MENTAL RETARDATION, AND ALOPECIA. Identifiers: Orphanet 3464, MedGen C0342286, MONDO:0009419, OMIM 241080.

Allele frequency attached by ClinVar (database versions not stated): TOPMed 0.00003; ExAC 0.00010; gnomAD 0.00003.
gnomAD v4.1: 40 of 1,527,716 alleles (0.0026%); highest among the groups gnomAD compares: South Asian, 0.0072%; no homozygotes.

Submissions (2):

Ambry Genetics
Classification: Uncertain significance for Inborn genetic diseases. Last evaluated: 2022-05-30. Review status: criteria provided, single submitter. Criteria: Ambry Variant Classification Scheme 2023. Collection method: clinical testing. Allele origin: germline.

Labcorp Genetics (formerly Invitae), Labcorp
Classification: Uncertain significance for Woodhouse-Sakati syndrome. Last evaluated: 2022-02-13. Review status: criteria provided, single submitter. Criteria: Invitae Variant Classification Sherloc (09022015). Collection method: clinical testing. Allele origin: germline.
Comment: This sequence change replaces lysine, which is basic and polar, with asparagine, which is neutral and polar, at codon 6 of the DCAF17 protein (p.Lys6Asn). This variant is present in population databases (rs759528673, gnomAD 0.009%). This variant has not been reported in the literature in individuals affected with DCAF17-related conditions. Algorithms developed to predict the effect of missense changes on protein structure and function (SIFT, PolyPhen-2, Align-GVGD) all suggest that this variant is likely to be tolerated. In summary, the available evidence is currently insufficient to determine the role of this variant in disease. Therefore, it has been classified as a Variant of Uncertain Significance.

NM_025000.4(DCAF17):c.18G>C (p.Lys6Asn)

Genes: DCAF17 (DDB1 and CUL4 associated factor 17; plus strand), METTL8 (methyltransferase 8, tRNA N3-cytidine; minus strand). Cytogenetic location: 2q31.1.
Variant type: single nucleotide variant.
Coding change: c.18G>C on transcript NM_025000.4 (MANE Select); coding-DNA position 18, G replaced by C.
Protein change: p.Lys6Asn; replaces lysine 6 with asparagine.
Molecular consequence: missense variant. On other transcripts: non-coding transcript variant (1), intron variant (4).
Genome position (GRCh38, 1-based): chr2:171,434,595, G>C. VCF-style: chr2-171434595-G-C. GRCh37 (hg19) VCF-style: chr2-172291105-G-C.
Other names: c.18G>C, p.Lys6Asn (NM_001164821.2); c.8+79C>G (NM_001321161.2, NM_001321158.2, NM_001321157.2); c.-13+79C>G (NM_024770.5); short protein forms K6N.
Identifiers: ClinVar variation 2146251 (VCV002146251.2), dbSNP rs759528673, ClinGen allele CA1964532.